The following is an entry in ClinVar:

ClinVar aggregate classification (germline): Uncertain significance. Review status: criteria provided, multiple submitters, no conflicts (2 of 4 stars). 2 submissions from 2 submitters: Uncertain significance (2). Last evaluated 2025-08-29.

Allele frequency attached by ClinVar (database versions not stated): gnomAD exomes 0.00001; ExAC 0.00006; TOPMed 0.00008; gnomAD 0.00011; ESP Exome Variant Server 0.00023.
gnomAD v4.1: 24 of 1,613,816 alleles (0.0015%); highest among the groups gnomAD compares: African/African-American, 0.027%; no homozygotes.

Submissions (2):

Labcorp Genetics (formerly Invitae), Labcorp
Classification: Uncertain significance. Last evaluated: 2025-08-29. Review status: criteria provided, single submitter. Criteria: Invitae Variant Classification Sherloc (09022015). Collection method: clinical testing. Allele origin: germline.
Comment: This sequence change replaces glutamic acid, which is acidic and polar, with glycine, which is neutral and non-polar, at codon 447 of the TUBA8 protein (p.Glu447Gly). This variant is present in population databases (rs150179251, gnomAD 0.05%). This variant has not been reported in the literature in individuals affected with TUBA8-related conditions. ClinVar contains an entry for this variant (Variation ID: 2182080). Experimental studies and prediction algorithms are not available or were not evaluated, and the functional significance of this variant is currently unknown. In summary, the available evidence is currently insufficient to determine the role of this variant in disease. Therefore, it has been classified as a Variant of Uncertain Significance.

Ambry Genetics
Classification: Uncertain significance. Last evaluated: 2024-10-07. Review status: criteria provided, single submitter. Criteria: Ambry Variant Classification Scheme 2023. Collection method: clinical testing. Allele origin: germline.

NM_018943.3(TUBA8):c.1340A>G (p.Glu447Gly)

Gene: TUBA8 (tubulin alpha 8; plus strand). Cytogenetic location: 22q11.21.
Variant type: single nucleotide variant.
Coding change: c.1340A>G on transcript NM_018943.3 (MANE Select); coding-DNA position 1340, A replaced by G.
Protein change: p.Glu447Gly; replaces glutamic acid 447 with glycine.
Molecular consequence: missense variant.
Genome position (GRCh38, 1-based): chr22:18,131,126, A>G. VCF-style: chr22-18131126-A-G. GRCh37 (hg19) VCF-style: chr22-18613893-A-G.
Other names: c.1142A>G, p.Glu381Gly (NM_001193414.2); c.1340A>G (NM_018943.2); short protein forms E381G, E447G.
Identifiers: ClinVar variation 2182080 (VCV002182080.5), dbSNP rs150179251, ClinGen allele CA10093887.
Genomic context (GRCh38, chr22:18,131,126, plus strand): 5'-CCCTGGAGAAGGATTATGAAGAAGTGGGGACTGATTCGTTTGAAGAAGAAAATGAAGGGG[A>G]GGAATTTTAAATATATACCTTCCCCTTGGCTGTGTCTCTTTATTTATGCTGTGCCATTCA-3'
Protein context (NP_061816.1, residues 437-449): TDSFEEENEG[Glu447Gly]EF